The following is an entry in ClinVar:

NM_001282933.2(ZNF341):c.2509G>A (p.Ala837Thr)

Genes: ZNF341 (zinc finger protein 341; plus strand), ZNF341-AS1 (ZNF341 antisense RNA 1; minus strand). Cytogenetic location: 20q11.22.
Variant type: single nucleotide variant.
Coding change: c.2509G>A on transcript NM_001282933.2 (MANE Select); coding-DNA position 2509, G replaced by A.
Protein change: p.Ala837Thr; replaces alanine 837 with threonine.
Molecular consequence: missense variant. On other transcripts: non-coding transcript variant (1).
Genome position (GRCh38, 1-based): chr20:33,791,461, G>A. VCF-style: chr20-33791461-G-A. GRCh37 (hg19) VCF-style: chr20-32379267-G-A.
Other names: c.2239G>A, p.Ala747Thr (NM_001282935.2); c.2488G>A, p.Ala830Thr (NM_032819.5); c.2488G>A (NM_032819.3); short protein forms A830T, A837T, A747T.
Identifiers: ClinVar variation 1406068 (VCV001406068.9), dbSNP rs750736115, ClinGen allele CA9819824.

ClinVar aggregate classification (germline): Uncertain significance. Review status: criteria provided, multiple submitters, no conflicts (2 of 4 stars). 2 submissions from 2 submitters: Uncertain significance (2). Last evaluated 2025-08-07.

Allele frequency attached by ClinVar (database versions not stated): gnomAD exomes below 0.00001 and 0.00001; ExAC 0.00001; TOPMed 0.00007; gnomAD 0.00009.
gnomAD v4.1: 32 of 1,602,114 alleles (0.002%); highest among the groups gnomAD compares: African/African-American, 0.019%; no homozygotes.

Submissions (2):

Ambry Genetics
Classification: Uncertain significance. Last evaluated: 2025-08-07. Review status: criteria provided, single submitter. Criteria: Ambry Variant Classification Scheme 2023. Collection method: clinical testing. Allele origin: germline.

Labcorp Genetics (formerly Invitae), Labcorp
Classification: Uncertain significance. Last evaluated: 2024-05-02. Review status: criteria provided, single submitter. Criteria: Invitae Variant Classification Sherloc (09022015). Collection method: clinical testing. Allele origin: germline.
Comment: This sequence change replaces alanine, which is neutral and non-polar, with threonine, which is neutral and polar, at codon 830 of the ZNF341 protein (p.Ala830Thr). This variant is present in population databases (rs750736115, gnomAD 0.02%). This variant has not been reported in the literature in individuals affected with ZNF341-related conditions. ClinVar contains an entry for this variant (Variation ID: 1406068). Algorithms developed to predict the effect of missense changes on protein structure and function output the following: SIFT: "Not Available"; PolyPhen-2: "Benign"; Align-GVGD: "Not Available". The threonine amino acid residue is found in multiple mammalian species, which suggests that this missense change does not adversely affect protein function. In summary, the available evidence is currently insufficient to determine the role of this variant in disease. Therefore, it has been classified as a Variant of Uncertain Significance.